The following is an entry in ClinVar:

ClinVar aggregate classification (germline): Uncertain significance (1 of 4 stars; one submission).

gnomAD v4.1: 2 of 1,605,738 alleles (0.00012%); highest among the groups gnomAD compares: Admixed American, 0.0017%; no homozygotes.

Submission:

Dasa
Classification: Uncertain significance. Last evaluated: 2025-02-21. Review status: criteria provided, single submitter. Criteria: DASA Assertion Criteria. Collection method: clinical testing. Allele origin: germline.
Comment: NM_001375524.1(TRRAP):c.8698A>G (p.Ile2900Val) is a missense variant that results in the substitution of isoleucine with valine. This variant is rare in population databases. Computational prediction algorithms are consistent with a benign effect. The currently available literature and clinical evidence are not sufficient to establish a definitive association between this variant and the reported condition. Therefore, this variant is classified as a variant of uncertain significance.

NM_001375524.1(TRRAP):c.8698A>G (p.Ile2900Val)

Gene: TRRAP (transformation/transcription domain associated protein; plus strand). Cytogenetic location: 7q22.1.
Variant type: single nucleotide variant.
Coding change: c.8698A>G on transcript NM_001375524.1 (MANE Select); coding-DNA position 8698, A replaced by G.
Protein change: p.Ile2900Val; replaces isoleucine 2900 with valine.
Molecular consequence: missense variant.
Genome position (GRCh38, 1-based): chr7:98,981,832, A>G. VCF-style: chr7-98981832-A-G. GRCh37 (hg19) VCF-style: chr7-98579455-A-G.
Other names: c.8677A>G, p.Ile2893Val (NM_001244580.2); c.8623A>G, p.Ile2875Val (NM_003496.4); short protein forms I2875V, I2893V, I2900V.
Identifiers: ClinVar variation 4881333 (VCV004881333.2).